The following is an entry in ClinVar:

ClinVar aggregate classification (germline): Uncertain significance (1 of 4 stars; one submission).

Submission:

Ambry Genetics
Classification: Uncertain significance. Last evaluated: 2021-08-05. Review status: criteria provided, single submitter. Criteria: Ambry Variant Classification Scheme 2023. Collection method: clinical testing. Allele origin: germline.
Comment: The p.A441S variant (also known as c.1321G>T), located in coding exon 9 of the POLQ gene, results from a G to T substitution at nucleotide position 1321. The alanine at codon 441 is replaced by serine, an amino acid with similar properties. This amino acid position is conserved. In addition, this alteration is predicted to be tolerated by in silico analysis. Since supporting evidence is limited at this time, the clinical significance of this alteration remains unclear.

NM_199420.4(POLQ):c.1321G>T (p.Ala441Ser)

Gene: POLQ (DNA polymerase theta; minus strand). Cytogenetic location: 3q13.33.
Variant type: single nucleotide variant.
Coding change: c.1321G>T on transcript NM_199420.4 (MANE Select); coding-DNA position 1321, G replaced by T.
Protein change: p.Ala441Ser; replaces alanine 441 with serine.
Molecular consequence: missense variant.
Genome position (GRCh38, 1-based): chr3:121,520,018, C>A on the plus strand (G>T on the coding strand, the complement: POLQ is on the minus strand). VCF-style: chr3-121520018-C-A. GRCh37 (hg19) VCF-style: chr3-121238865-C-A.
Other names: short protein forms A441S.
Identifiers: ClinVar variation 1769924 (VCV001769924.2), dbSNP rs1576424713, ClinGen allele CA354119727.